The following is an entry in ClinVar:

NM_001370259.2(MEN1):c.1607A>T (p.Gln536Leu)

Gene: MEN1 (menin 1; minus strand). Cytogenetic location: 11q13.1.
Variant type: single nucleotide variant.
Coding change: c.1607A>T on transcript NM_001370259.2 (MANE Select); coding-DNA position 1607, A replaced by T.
Protein change: p.Gln536Leu; replaces glutamine 536 with leucine.
Molecular consequence: missense variant.
Genome position (GRCh38, 1-based): chr11:64,804,560, T>A on the plus strand (A>T on the coding strand, the complement: MEN1 is on the minus strand). VCF-style: chr11-64804560-T-A. GRCh37 (hg19) VCF-style: chr11-64572032-T-A.
Other names: c.1622A>T, p.Gln541Leu (NM_000244.4, NM_001407145.1, NM_130800.3 and 4 more transcripts); c.1733A>T, p.Gln578Leu (NM_001370251.2, NM_001407142.1, NM_001407143.1 and 1 more transcripts); c.1607A>T, p.Gln536Leu (NM_001370260.2, NM_001370261.2, NM_001407146.1 and 2 more transcripts); c.1502A>T, p.Gln501Leu (NM_001370262.2, NM_001370263.2, NM_001407148.1 and 1 more transcripts); c.1748A>T, p.Gln583Leu (NM_001407150.1); c.1628A>T, p.Gln543Leu (NM_001407151.1); c.1442A>T, p.Gln481Leu (NM_001407152.1); short protein forms Q481L, Q583L, Q541L, Q543L, Q578L, Q501L, Q536L.
Identifiers: ClinVar variation 1776309 (VCV001776309.3), dbSNP rs762867287, ClinGen allele CA381178146.

ClinVar aggregate classification (germline): Uncertain significance. Review status: criteria provided, multiple submitters, no conflicts (2 of 4 stars). 2 submissions from 2 submitters: Uncertain significance (2). Last evaluated 2023-10-06.

Conditions:
Multiple endocrine neoplasia, type 1 (MEN1). Also called: MEN I; WERMER SYNDROME; Endocrine adenomatosis multiple; MEN 1; MEA I. Identifiers: Orphanet 652, MedGen C0025267, MeSH D018761, MONDO:0007540, OMIM 131100.
Hereditary cancer-predisposing syndrome. Also called: Tumor predisposition; Neoplastic Syndromes, Hereditary; Hereditary Cancer Syndrome; Hereditary neoplastic syndrome. Identifiers: Orphanet 140162, MedGen C0027672, MeSH D009386, MONDO:0015356.

Submissions (2):

All of Us Research Program, National Institutes of Health
Classification: Uncertain significance for Multiple endocrine neoplasia, type 1. Last evaluated: 2023-10-06. Review status: criteria provided, single submitter. Criteria: ACMG Guidelines, 2015. Collection method: clinical testing. Allele origin: germline. Inheritance: Autosomal dominant inheritance. Observed: 1 variant allele, 1 heterozygote.
Comment: This missense variant replaces glutamine with leucine at codon 536 of the MEN1 protein. Computational prediction suggests that this variant may not impact protein structure and function (internally defined REVEL score threshold <= 0.5, PMID: 27666373). To our knowledge, functional studies have not been reported for this variant. This variant has not been reported in individuals affected with MEN1-related disorders in the literature. This variant has not been identified in the general population by the Genome Aggregation Database (gnomAD). The available evidence is insufficient to determine the role of this variant in disease conclusively. Therefore, this variant is classified as a Variant of Uncertain Significance.

This study involves interpretation of variants in research participants for the purpose of population health screening. Participant phenotype was not available at the time of variant classification. Additional details can be found in publication PMID: 35346344, PMCID: PMC8962531

Ambry Genetics
Classification: Uncertain significance for Hereditary cancer-predisposing syndrome. Last evaluated: 2021-04-26. Review status: criteria provided, single submitter. Criteria: Ambry Variant Classification Scheme 2023. Collection method: clinical testing. Allele origin: germline.
Comment: The p.Q536L variant (also known as c.1607A>T), located in coding exon 9 of the MEN1 gene, results from an A to T substitution at nucleotide position 1607. The glutamine at codon 536 is replaced by leucine, an amino acid with dissimilar properties. This amino acid position is poorly conserved in available vertebrate species. In addition, the in silico prediction for this alteration is inconclusive. Since supporting evidence is limited at this time, the clinical significance of this alteration remains unclear.